The following is an entry in ClinVar:

ClinVar aggregate classification (germline): Uncertain significance (1 of 4 stars; one submission).

Conditions:
Mitochondrial trifunctional protein deficiency. Identifiers: Orphanet 746, MedGen C1969443, MONDO:0012172.

gnomAD v4.1: 1 of 1,608,178 alleles (0.000062%); highest among the groups gnomAD compares: Non-Finnish European, 0.000085%; no homozygotes.

Submission:

Labcorp Genetics (formerly Invitae), Labcorp
Classification: Uncertain significance for Mitochondrial trifunctional protein deficiency. Last evaluated: 2022-06-02. Review status: criteria provided, single submitter. Criteria: Invitae Variant Classification Sherloc (09022015). Collection method: clinical testing. Allele origin: germline.
Comment: In summary, the available evidence is currently insufficient to determine the role of this variant in disease. Therefore, it has been classified as a Variant of Uncertain Significance. Algorithms developed to predict the effect of missense changes on protein structure and function are either unavailable or do not agree on the potential impact of this missense change (SIFT: "Deleterious"; PolyPhen-2: "Benign"; Align-GVGD: "Class C0"). This variant has not been reported in the literature in individuals affected with HADHB-related conditions. This variant is not present in population databases (gnomAD no frequency). This sequence change replaces methionine, which is neutral and non-polar, with valine, which is neutral and non-polar, at codon 467 of the HADHB protein (p.Met467Val).

NM_000183.3(HADHB):c.1399A>G (p.Met467Val)

Gene: HADHB (hydroxyacyl-CoA dehydrogenase trifunctional multienzyme complex subunit beta; plus strand). Cytogenetic location: 2p23.3.
Variant type: single nucleotide variant.
Coding change: c.1399A>G on transcript NM_000183.3 (MANE Select); coding-DNA position 1399, A replaced by G.
Protein change: p.Met467Val; replaces methionine 467 with valine.
Molecular consequence: missense variant.
Genome position (GRCh38, 1-based): chr2:26,289,927, A>G. VCF-style: chr2-26289927-A-G. GRCh37 (hg19) VCF-style: chr2-26512795-A-G.
Other names: c.1354A>G, p.Met452Val (NM_001281512.2); c.1333A>G, p.Met445Val (NM_001281513.2); short protein forms M467V, M445V, M452V.
Identifiers: ClinVar variation 2149603 (VCV002149603.2), dbSNP rs1323896748, ClinGen allele CA346097920.